The following is an entry in ClinVar:

ClinVar aggregate classification (germline): Benign (0 of 4 stars; one submission).

Conditions:
PPRC1-related disorder. Also called: PPRC1-related condition.

Allele frequency attached by ClinVar (database versions not stated): 1000 Genomes Project 30x 0.00094; 1000 Genomes Project 0.00120; ESP Exome Variant Server 0.00154; gnomAD exomes 0.00198; gnomAD 0.00211; TOPMed 0.00221; ExAC 0.00291.
gnomAD v4.1: 3,293 of 1,613,878 alleles (0.2%); highest among the groups gnomAD compares: Middle Eastern, 1.9%; 25 homozygotes.

Submission:

PreventionGenetics, part of Exact Sciences
Classification: Benign for PPRC1-related condition. Last evaluated: 2019-06-11. Review status: no assertion criteria provided. Collection method: clinical testing. Allele origin: germline.
Comment: This variant is classified as benign based on ACMG/AMP sequence variant interpretation guidelines (Richards et al. 2015 PMID: 25741868, with internal and published modifications).

NM_015062.5(PPRC1):c.2726T>C (p.Val909Ala)

Gene: PPRC1 (PPARG related coactivator 1; plus strand). Cytogenetic location: 10q24.32.
Variant type: single nucleotide variant.
Coding change: c.2726T>C on transcript NM_015062.5 (MANE Select); coding-DNA position 2726, T replaced by C.
Protein change: p.Val909Ala; replaces valine 909 with alanine.
Molecular consequence: missense variant.
Genome position (GRCh38, 1-based): chr10:102,141,234, T>C. VCF-style: chr10-102141234-T-C. GRCh37 (hg19) VCF-style: chr10-103900991-T-C.
Other names: c.2726T>C, p.Val909Ala (NM_001288727.2); c.2366T>C, p.Val789Ala (NM_001288728.2); short protein forms V789A, V909A.
Identifiers: ClinVar variation 3033715 (VCV003033715.2), dbSNP rs143292683, ClinGen allele CA5661075.
Genomic context (GRCh38, chr10:102,141,234, plus strand): 5'-CCCCCAGTCTGCCCCCACCTCCCTTGCAGCCTCCTAGTCTTCCATTGTCTATGGGGCCAG[T>C]ACTACCTGATCCGTTTACTCACTATGCCCCCTTGCCATCCTGGCCTTGTTATCCTCATGT-3'
Protein context (NP_055877.3, residues 899-919): PPSLPLSMGP[Val909Ala]LPDPFTHYAP